The following is an entry in ClinVar:

ClinVar aggregate classification (germline): Uncertain significance (1 of 4 stars; one submission).

Conditions:
Werner syndrome (WRN). Identifiers: Orphanet 902, MedGen C0043119, MONDO:0010196, OMIM 277700.

Allele frequency attached by ClinVar (database versions not stated): gnomAD exomes below 0.00001; gnomAD 0.00001.
gnomAD v4.1: 2 of 1,613,978 alleles (0.00012%); highest among the groups gnomAD compares: Admixed American, 0.0033%; no homozygotes.

Submission:

Labcorp Genetics (formerly Invitae), Labcorp
Classification: Uncertain significance for Werner syndrome. Last evaluated: 2023-06-02. Review status: criteria provided, single submitter. Criteria: Invitae Variant Classification Sherloc (09022015). Collection method: clinical testing. Allele origin: germline.
Comment: In summary, the available evidence is currently insufficient to determine the role of this variant in disease. Therefore, it has been classified as a Variant of Uncertain Significance. An algorithm developed to predict the effect of missense changes on protein structure and function (PolyPhen-2) suggests that this variant is likely to be disruptive. This variant has not been reported in the literature in individuals affected with WRN-related conditions. This variant is present in population databases (no rsID available, gnomAD 0.006%). This sequence change replaces valine, which is neutral and non-polar, with leucine, which is neutral and non-polar, at codon 104 of the WRN protein (p.Val104Leu).

NM_000553.6(WRN):c.310G>C (p.Val104Leu)

Gene: WRN (WRN RecQ like helicase; plus strand). Cytogenetic location: 8p12.
Variant type: single nucleotide variant.
Coding change: c.310G>C on transcript NM_000553.6 (MANE Select); coding-DNA position 310, G replaced by C.
Protein change: p.Val104Leu; replaces valine 104 with leucine.
Molecular consequence: missense variant.
Genome position (GRCh38, 1-based): chr8:31,064,389, G>C. VCF-style: chr8-31064389-G-C. GRCh37 (hg19) VCF-style: chr8-30921905-G-C.
Other names: short protein forms V104L.
Identifiers: ClinVar variation 2756226 (VCV002756226.3), dbSNP rs1185203276, ClinGen allele CA370914317.